The following is an entry in ClinVar:

NM_022725.4(FANCF):c.70A>T (p.Ser24Cys)

Gene: FANCF (FA complementation group F; minus strand). Cytogenetic location: 11p14.3.
Variant type: single nucleotide variant.
Coding change: c.70A>T on transcript NM_022725.4 (MANE Select); coding-DNA position 70, A replaced by T.
Protein change: p.Ser24Cys; replaces serine 24 with cysteine.
Molecular consequence: missense variant.
Genome position (GRCh38, 1-based): chr11:22,625,741, T>A on the plus strand (A>T on the coding strand, the complement: FANCF is on the minus strand). VCF-style: chr11-22625741-T-A. GRCh37 (hg19) VCF-style: chr11-22647287-T-A.
Other names: short protein forms S24C.
Identifiers: ClinVar variation 1691929 (VCV001691929.1), dbSNP rs1858638724, ClinGen allele CA380059792.

ClinVar aggregate classification (germline): Uncertain significance (1 of 4 stars; one submission).

Conditions:
Fanconi anemia (FA). Also called: Fanconi's anemia. Identifiers: Orphanet 84, MedGen C0015625, MeSH D005199, MONDO:0019391.

Allele frequency attached by ClinVar (database versions not stated): TOPMed below 0.00001.

Submission:

Sema4
Classification: Uncertain significance for Fanconi anemia. Last evaluated: 2021-12-08. Review status: criteria provided, single submitter. Criteria: Sema4 Curation Guidelines. Collection method: curation. Allele origin: germline.
Comment: The FANCF c.70A>T (p.S24C) variant has not been reported in the literature to our knowledge. It was not observed in the large and broad cohorts of the Genome Aggregation Database (PMID: 32461654). This variant has not been reported in ClinVar. In silico tools suggest the impact of the variant on protein function is benign, though these predictions have not been confirmed by functional studies. The evidence is insufficient to meet ACMG/AMP criteria for classifying the variant as benign or pathogenic. Thus, the clinical significance of this variant is currently uncertain.